The following is an entry in ClinVar:

ClinVar aggregate classification (germline): Pathogenic (1 of 4 stars; one submission).

gnomAD v4.1: 2 of 1,550,538 alleles (0.00013%); highest among the groups gnomAD compares: South Asian, 0.0024%; no homozygotes.

Submission:

Labcorp Genetics (formerly Invitae), Labcorp
Classification: Pathogenic. Last evaluated: 2025-01-27. Review status: criteria provided, single submitter. Criteria: Invitae Variant Classification Sherloc (09022015). Collection method: clinical testing. Allele origin: germline.
Comment: This sequence change creates a premature translational stop signal (p.Lys1365*) in the OTOG gene. It is expected to result in an absent or disrupted protein product. Loss-of-function variants in OTOG are known to be pathogenic (PMID: 23122587). This variant is not present in population databases (gnomAD no frequency). This variant has not been reported in the literature in individuals affected with OTOG-related conditions. For these reasons, this variant has been classified as Pathogenic.

Literature cited by the submitters: PubMed 23122587.

NM_001292063.2(OTOG):c.4057A>T (p.Lys1353Ter)

Gene: OTOG (otogelin; plus strand). Cytogenetic location: 11p15.1.
Variant type: single nucleotide variant.
Coding change: c.4057A>T on transcript NM_001292063.2 (MANE Select); coding-DNA position 4057, A replaced by T.
Protein change: p.Lys1353Ter; replaces lysine 1353 with a stop codon.
Molecular consequence: nonsense.
Genome position (GRCh38, 1-based): chr11:17,606,036, A>T. VCF-style: chr11-17606036-A-T. GRCh37 (hg19) VCF-style: chr11-17627583-A-T.
Other names: c.4093A>T, p.Lys1365Ter (NM_001277269.2); short protein forms K1353*, K1365*.
Identifiers: ClinVar variation 3619854 (VCV003619854.2).